The following is an entry in ClinVar:

ClinVar aggregate classification (germline): Uncertain significance (1 of 4 stars; one submission).

Allele frequency attached by ClinVar (database versions not stated): TOPMed below 0.00001; gnomAD 0.00001; ExAC 0.00002; ESP Exome Variant Server 0.00008.
gnomAD v4.1: 5 of 1,614,076 alleles (0.00031%); highest among the groups gnomAD compares: Non-Finnish European, 0.00042%; no homozygotes.

Submission:

Labcorp Genetics (formerly Invitae), Labcorp
Classification: Uncertain significance. Last evaluated: 2022-05-11. Review status: criteria provided, single submitter. Criteria: Invitae Variant Classification Sherloc (09022015). Collection method: clinical testing. Allele origin: germline.
Comment: This variant has not been reported in the literature in individuals affected with RP1-related conditions. In summary, the available evidence is currently insufficient to determine the role of this variant in disease. Therefore, it has been classified as a Variant of Uncertain Significance. Algorithms developed to predict the effect of missense changes on protein structure and function (SIFT, PolyPhen-2, Align-GVGD) all suggest that this variant is likely to be tolerated. This variant is present in population databases (rs143901483, gnomAD 0.002%). This sequence change replaces serine, which is neutral and polar, with glycine, which is neutral and non-polar, at codon 1224 of the RP1 protein (p.Ser1224Gly).

NM_006269.2(RP1):c.3670A>G (p.Ser1224Gly)

Gene: RP1 (RP1 axonemal microtubule associated; plus strand). Cytogenetic location: 8q12.1.
Variant type: single nucleotide variant.
Coding change: c.3670A>G on transcript NM_006269.2 (MANE Select); coding-DNA position 3670, A replaced by G.
Protein change: p.Ser1224Gly; replaces serine 1224 with glycine.
Molecular consequence: missense variant. On other transcripts: intron variant (1).
Genome position (GRCh38, 1-based): chr8:54,627,552, A>G. VCF-style: chr8-54627552-A-G. GRCh37 (hg19) VCF-style: chr8-55540112-A-G.
Other names: c.787+5264A>G (NM_001375654.1); short protein forms S1224G.
Identifiers: ClinVar variation 1964489 (VCV001964489.5), dbSNP rs143901483, ClinGen allele CA4751726.
Genomic context (GRCh38, chr8:54,627,552, plus strand): 5'-GTTCCAATAGATCTTTCTGCAAATTGTTCCACGGTCAACATTCAGAGTGTTCCTAAGTGC[A>G]GTGAAAATGAAAGAACACAAGGAATCTCCTCTTTGGATGGAGGTTGCTCTGCCAGTGAGG-3'
Protein context (NP_006260.1, residues 1214-1234): TVNIQSVPKC[Ser1224Gly]ENERTQGISS